The following is an entry in ClinVar:

ClinVar aggregate classification (germline): Uncertain significance (1 of 4 stars; one submission).

Allele frequency attached by ClinVar (database versions not stated): gnomAD 0.00003; TOPMed 0.00003; ESP Exome Variant Server 0.00023.
gnomAD v4.1: 144 of 1,613,996 alleles (0.0089%); highest among the groups gnomAD compares: Non-Finnish European, 0.011%; 1 homozygote.

Submission:

Labcorp Genetics (formerly Invitae), Labcorp
Classification: Uncertain significance. Last evaluated: 2022-07-06. Review status: criteria provided, single submitter. Criteria: Invitae Variant Classification Sherloc (09022015). Collection method: clinical testing. Allele origin: germline.
Comment: In summary, the available evidence is currently insufficient to determine the role of this variant in disease. Therefore, it has been classified as a Variant of Uncertain Significance. Algorithms developed to predict the effect of missense changes on protein structure and function are either unavailable or do not agree on the potential impact of this missense change (SIFT: "Tolerated"; PolyPhen-2: "Possibly Damaging"; Align-GVGD: "Class C0"). This variant has not been reported in the literature in individuals affected with PDE6C-related conditions. This variant is present in population databases (rs143356640, gnomAD 0.01%). This sequence change replaces arginine, which is basic and polar, with histidine, which is basic and polar, at codon 95 of the PDE6C protein (p.Arg95His).

NM_006204.4(PDE6C):c.284G>A (p.Arg95His)

Gene: PDE6C (phosphodiesterase 6C; plus strand). Cytogenetic location: 10q23.33.
Variant type: single nucleotide variant.
Coding change: c.284G>A on transcript NM_006204.4 (MANE Select); coding-DNA position 284, G replaced by A.
Protein change: p.Arg95His; replaces arginine 95 with histidine.
Molecular consequence: missense variant.
Genome position (GRCh38, 1-based): chr10:93,613,009, G>A. VCF-style: chr10-93613009-G-A. GRCh37 (hg19) VCF-style: chr10-95372766-G-A.
Other names: short protein forms R95H.
Identifiers: ClinVar variation 1917420 (VCV001917420.5), dbSNP rs143356640, ClinGen allele CA5609798.
Genomic context (GRCh38, chr10:93,613,009, plus strand): 5'-CCCCAGAGCAGGGGGTTCACAGGGCCCTGCAGAGGCTGGCCCACCTGCTCCAGGCTGACC[G>A]CTGCAGCATGTTCCTGTGCCGGTCCCGGAACGGCATACCTGAGGTGGCCTCTAGGTTGCT-3'
Protein context (NP_006195.3, residues 85-105): QRLAHLLQAD[Arg95His]CSMFLCRSRN